The following is an entry in ClinVar:

NM_006852.6(TLK2):c.1412A>G (p.His471Arg)

Gene: TLK2 (tousled like kinase 2; plus strand). Cytogenetic location: 17q23.2.
Variant type: single nucleotide variant.
Coding change: c.1412A>G on transcript NM_006852.6 (MANE Select); coding-DNA position 1412, A replaced by G.
Protein change: p.His471Arg; replaces histidine 471 with arginine.
Molecular consequence: missense variant.
Genome position (GRCh38, 1-based): chr17:62,586,178, A>G. VCF-style: chr17-62586178-A-G. GRCh37 (hg19) VCF-style: chr17-60663539-A-G.
Other names: c.1478A>G, p.His493Arg (NM_001284333.3); c.1316A>G, p.His439Arg (NM_001284363.1, NM_001375272.1); c.965A>G, p.His322Arg (NM_001330418.3, NM_001375273.1); c.1454A>G, p.His485Arg (NM_001375269.1); c.1412A>G, p.His471Arg (NM_001375270.1, NM_001375271.1); short protein forms H322R, H439R, H471R, H493R, H485R.
Identifiers: ClinVar variation 617910 (VCV000617910.1), dbSNP rs1567974030, ClinGen allele CA400506079.

ClinVar aggregate classification (germline): Likely pathogenic (1 of 4 stars; one submission).

Conditions:
Intellectual developmental disorder, autosomal dominant 57. Also called: MENTAL RETARDATION, AUTOSOMAL DOMINANT 57; Intellectual disability, autosomal dominant 57. Identifiers: MedGen C4748003, MONDO:0054837, OMIM 618050.

Submission:

SIB Swiss Institute of Bioinformatics
Classification: Likely pathogenic for Intellectual developmental disorder, autosomal dominant 57. Last evaluated: 2018-10-15. Review status: criteria provided, single submitter. Criteria: ACMG Guidelines, 2015. Collection method: curation. Allele origin: de novo.
Comment: This variant is interpreted as Likely Pathogenic, for Mental retardation, autosomal dominant 57. The following ACMG Tag(s) were applied: PM2 => Absent from controls (or at extremely low frequency if recessive) in Exome Sequencing Project, 1000 Genomes Project, or Exome Aggregation Consortium. PP3 => Multiple lines of computational evidence support a deleterious effect on the gene or gene product. PM1 => Located in a mutational hot spot and/or critical and well-established functional domain (e.g., active site of an enzyme) without benign variation. PM6 => Assumed de novo, but without confirmation of paternity and maternity (PubMed 29861108).

Literature cited by the submitters: PubMed 29861108.